The following is an entry in ClinVar:

NM_001365276.2(TNXB):c.2788C>A (p.Pro930Thr)

Gene: TNXB (tenascin XB; minus strand). Cytogenetic location: 6p21.33.
Variant type: single nucleotide variant.
Coding change: c.2788C>A on transcript NM_001365276.2 (MANE Select); coding-DNA position 2788, C replaced by A.
Protein change: p.Pro930Thr; replaces proline 930 with threonine.
Molecular consequence: missense variant.
Genome position (GRCh38, 1-based): chr6:32,086,110, G>T on the plus strand (C>A on the coding strand, the complement: TNXB is on the minus strand). VCF-style: chr6-32086110-G-T. GRCh37 (hg19) VCF-style: chr6-32053887-G-T.
Other names: c.3529C>A, p.Pro1177Thr (NM_001428335.1); c.2788C>A, p.Pro930Thr (NM_019105.8); short protein forms P930T, P1177T.
Identifiers: ClinVar variation 3972021 (VCV003972021.1).
Genomic context (GRCh38, chr6:32,086,110, plus strand): 5'-CTTGCGTCGTCGAGGGGCCTGAGGGAGGAGGCTCATCGGTAGTCCCCAAGAGGCCCAAGG[G>T]TGAGGACCCTGGGAAGGGGCAGGGTGAGAAAAAGAGGAGAGTCCAGTATGAGAACTAGAA-3'
Protein context (NP_001352205.1, residues 920-940): ASVRANTGSS[Pro930Thr]LGLLGTTDEP

ClinVar aggregate classification (germline): Uncertain significance (1 of 4 stars; one submission).

Conditions:
Cardiovascular phenotype. Identifiers: MedGen CN230736.

Submission:

Ambry Genetics
Classification: Uncertain significance for Cardiovascular phenotype. Last evaluated: 2025-05-06. Review status: criteria provided, single submitter. Criteria: Ambry Variant Classification Scheme 2023. Collection method: clinical testing. Allele origin: germline.
Comment: The p.P930T variant (also known as c.2788C>A), located in coding exon 6 of the TNXB gene, results from a C to A substitution at nucleotide position 2788. The proline at codon 930 is replaced by threonine, an amino acid with highly similar properties. This amino acid position is conserved. In addition, this alteration is predicted to be tolerated by in silico analysis. Based on the available evidence, the clinical significance of this variant remains unclear.